The following is an entry in ClinVar:

ClinVar aggregate classification (germline): Uncertain significance. Review status: criteria provided, multiple submitters, no conflicts (2 of 4 stars). 2 submissions from 2 submitters: Uncertain significance (2). Last evaluated 2026-03-15.

Conditions:
Inborn genetic diseases. Identifiers: MedGen C0950123, MeSH D030342.
PKD1L1-related disorder. Also called: PKD1L1-related condition.

Allele frequency attached by ClinVar (database versions not stated): ExAC 0.00005; gnomAD 0.00007; TOPMed 0.00007; ESP Exome Variant Server 0.00008.
gnomAD v4.1: 247 of 1,614,080 alleles (0.015%); highest among the groups gnomAD compares: Non-Finnish European, 0.021%; no homozygotes.

Submissions (2):

PreventionGenetics, part of Exact Sciences
Classification: Uncertain significance for PKD1L1-related condition. Last evaluated: 2026-03-15. Review status: criteria provided, single submitter. Criteria: ACMG Guidelines, 2015. Collection method: clinical testing. Allele origin: germline.
Comment: The PKD1L1 c.3076G>A variant is predicted to result in the amino acid substitution p.Ala1026Thr. To our knowledge, this variant has not been reported in the literature. This variant is reported in 0.012% of alleles in individuals of European (Non-Finnish) descent in gnomAD. At this time, the clinical significance of this variant is uncertain due to the absence of conclusive functional and genetic evidence.

Ambry Genetics
Classification: Uncertain significance for Inborn genetic diseases. Last evaluated: 2023-11-20. Review status: criteria provided, single submitter. Criteria: Ambry Variant Classification Scheme 2023. Collection method: clinical testing. Allele origin: germline.

NM_138295.5(PKD1L1):c.3076G>A (p.Ala1026Thr)

Gene: PKD1L1 (polycystin 1 like 1, transient receptor potential channel interacting; minus strand). Cytogenetic location: 7p12.3.
Variant type: single nucleotide variant.
Coding change: c.3076G>A on transcript NM_138295.5 (MANE Select); coding-DNA position 3076, G replaced by A.
Protein change: p.Ala1026Thr; replaces alanine 1026 with threonine.
Molecular consequence: missense variant.
Genome position (GRCh38, 1-based): chr7:47,885,815, C>T on the plus strand (G>A on the coding strand, the complement: PKD1L1 is on the minus strand). VCF-style: chr7-47885815-C-T. GRCh37 (hg19) VCF-style: chr7-47925413-C-T.
Other names: short protein forms A1026T.
Identifiers: ClinVar variation 3213549 (VCV003213549.2), dbSNP rs144788330, ClinGen allele CA4253546.
Genomic context (GRCh38, chr7:47,885,815, plus strand): 5'-TGCTCTGTGGCCCTGGCTCTAGGTCTAGTGAACCTTCCTCTGGAGCCTCCCCCAGGACTG[C>T]AGAGTCCCCCGCAGGAGGAATCCAGTAGACTCCAGTCATGGGCTCTGTGGGGGTTCCCCT-3'
Protein context (NP_612152.1, residues 1016-1036): VYWIPPAGDS[Ala1026Thr]VLGEAPEEGS